The following is an entry in ClinVar:

ClinVar aggregate classification (germline): Pathogenic/Likely pathogenic. Review status: criteria provided, multiple submitters, no conflicts (2 of 4 stars). 2 submissions from 2 submitters: Pathogenic (1); Likely pathogenic (1). Last evaluated 2025-07-17.

Conditions:
Snijders Blok-Campeau syndrome. Also called: INTELLECTUAL DEVELOPMENTAL DISORDER WITH MACROCEPHALY, SPEECH DELAY, AND DYSMORPHIC FACIES. Identifiers: Orphanet 599082, MedGen C4748701, MONDO:0032600, OMIM 618205.

Submissions (2):

GeneDx
Classification: Pathogenic. Last evaluated: 2025-07-17. Review status: criteria provided, single submitter. Criteria: GeneDx Variant Classification Process June 2021. Collection method: clinical testing. Allele origin: germline. Affected: yes.
Comment: Not observed at significant frequency in large population cohorts (gnomAD); In silico analysis supports that this missense variant has a deleterious effect on protein structure/function; Has not been previously published as pathogenic or benign to our knowledge; This variant is associated with the following publications: (PMID: 30397230, 29463886)

Institute of Human Genetics, Heidelberg University
Classification: Likely pathogenic for Snijders Blok-Campeau syndrome. Last evaluated: 2023-11-03. Review status: criteria provided, single submitter. Criteria: ACMG Guidelines, 2015. Collection method: clinical testing. Allele origin: germline. Affected: yes.

NM_001005273.3(CHD3):c.3506G>C (p.Arg1169Pro)

Gene: CHD3 (chromodomain helicase DNA binding protein 3; plus strand). Cytogenetic location: 17p13.1.
Variant type: single nucleotide variant.
Coding change: c.3506G>C on transcript NM_001005273.3 (MANE Select); coding-DNA position 3506, G replaced by C.
Protein change: p.Arg1169Pro; replaces arginine 1169 with proline.
Molecular consequence: missense variant.
Genome position (GRCh38, 1-based): chr17:7,903,282, G>C. VCF-style: chr17-7903282-G-C. GRCh37 (hg19) VCF-style: chr17-7806600-G-C.
Other names: c.3683G>C (NM_001005271.2); c.3683G>C, p.Arg1228Pro (NM_001005271.3); c.3506G>C, p.Arg1169Pro (NM_005852.4); short protein forms R1169P, R1228P.
Identifiers: ClinVar variation 3069189 (VCV003069189.3), dbSNP rs2545006166, ClinGen allele CA397942052.